The following is an entry in ClinVar:

ClinVar aggregate classification (germline): Likely benign. Review status: criteria provided, multiple submitters, no conflicts (2 of 4 stars). 3 submissions from 3 submitters: Likely benign (2). 1 of the submissions does not count toward it. Last evaluated 2023-01-14.

Conditions:
POLE-related disorder. Also called: POLE-related disorders; POLE-related condition.
Hereditary cancer-predisposing syndrome. Also called: Tumor predisposition; Hereditary neoplastic syndrome; Hereditary Cancer Syndrome; Neoplastic Syndromes, Hereditary. Identifiers: Orphanet 140162, MedGen C0027672, MeSH D009386, MONDO:0015356.

Submissions (3):

Labcorp Genetics (formerly Invitae), Labcorp
Classification: Likely benign. Last evaluated: 2023-01-14. Review status: criteria provided, single submitter. Criteria: Invitae Variant Classification Sherloc (09022015). Collection method: clinical testing. Allele origin: germline.

Ambry Genetics
Classification: Likely benign for Hereditary cancer-predisposing syndrome. Last evaluated: 2021-06-27. Review status: criteria provided, single submitter. Criteria: Ambry Variant Classification Scheme 2023. Collection method: clinical testing. Allele origin: germline.

PreventionGenetics, part of Exact Sciences
Classification: Likely benign for POLE-related condition. Last evaluated: 2023-02-20. Review status: no assertion criteria provided. Collection method: clinical testing. Allele origin: germline. Not counted in ClinVar's aggregate classification.
Comment: This variant is classified as likely benign based on ACMG/AMP sequence variant interpretation guidelines (Richards et al. 2015 PMID: 25741868, with internal and published modifications).

NM_006231.4(POLE):c.5358C>A (p.Ala1786=)

Gene: POLE (DNA polymerase epsilon, catalytic subunit; minus strand). Cytogenetic location: 12q24.33.
Variant type: single nucleotide variant.
Coding change: c.5358C>A on transcript NM_006231.4 (MANE Select); coding-DNA position 5358, C replaced by A.
Protein change: p.Ala1786=; no amino-acid change (alanine 1786 retained).
Molecular consequence: synonymous variant.
Genome position (GRCh38, 1-based): chr12:132,641,667, G>T on the plus strand (C>A on the coding strand, the complement: POLE is on the minus strand). VCF-style: chr12-132641667-G-T. GRCh37 (hg19) VCF-style: chr12-133218253-G-T.
Other names: c.5358C>A (NM_006231.3).
Identifiers: ClinVar variation 1097565 (VCV001097565.13), dbSNP rs2138523064, ClinGen allele CA482726902.